The following is an entry in ClinVar:

NM_139318.5(KCNH5):c.515C>A (p.Thr172Lys)

Gene: KCNH5 (potassium voltage-gated channel subfamily H member 5; minus strand). Cytogenetic location: 14q23.2.
Variant type: single nucleotide variant.
Coding change: c.515C>A on transcript NM_139318.5 (MANE Select); coding-DNA position 515, C replaced by A.
Protein change: p.Thr172Lys; replaces threonine 172 with lysine.
Molecular consequence: missense variant.
Genome position (GRCh38, 1-based): chr14:62,987,106, G>T on the plus strand (C>A on the coding strand, the complement: KCNH5 is on the minus strand). VCF-style: chr14-62987106-G-T. GRCh37 (hg19) VCF-style: chr14-63453824-G-T.
Other names: c.515C>A, p.Thr172Lys (NM_172375.3); short protein forms T172K.
Identifiers: ClinVar variation 1975111 (VCV001975111.5), dbSNP rs34764419, ClinGen allele CA390104755.
Genomic context (GRCh38, chr14:62,987,106, plus strand): 5'-GGAAGCAAAATTCATCTCATACTTACTTCAGCTAGTCTTGAATGTTTATGGACCACCTCT[G>T]TTTTATTCATTGGCGTGAGCTGCTGCAAAACACTTCGGCTATTTGTCAAAGCCCGTGTCA-3'
Protein context (NP_647479.2, residues 162-182): VLQQLTPMNK[Thr172Lys]EVVHKHSRLA

ClinVar aggregate classification (germline): Uncertain significance (1 of 4 stars; one submission).

Conditions:
Early-infantile DEE. Also called: Ohtahara syndrome; Early infantile epileptic encephalopathy; Early infantile epileptic encephalopathy with suppression bursts. Identifiers: Orphanet 1934, MedGen C0393706, MONDO:0800491.

gnomAD v4.1: 1 of 1,613,482 alleles (0.000062%); highest among the groups gnomAD compares: Middle Eastern, 0.017%; no homozygotes.

Submission:

Labcorp Genetics (formerly Invitae), Labcorp
Classification: Uncertain significance for Early-infantile DEE. Last evaluated: 2022-09-27. Review status: criteria provided, single submitter. Criteria: Invitae Variant Classification Sherloc (09022015). Collection method: clinical testing. Allele origin: germline.
Comment: In summary, the available evidence is currently insufficient to determine the role of this variant in disease. Therefore, it has been classified as a Variant of Uncertain Significance. Advanced modeling of protein sequence and biophysical properties (such as structural, functional, and spatial information, amino acid conservation, physicochemical variation, residue mobility, and thermodynamic stability) performed at Invitae indicates that this missense variant is not expected to disrupt KCNH5 protein function. This variant has not been reported in the literature in individuals affected with KCNH5-related conditions. This variant is present in population databases (no rsID available, gnomAD 0.0009%). This sequence change replaces threonine, which is neutral and polar, with lysine, which is basic and polar, at codon 172 of the KCNH5 protein (p.Thr172Lys).